The following is an entry in ClinVar:

NM_004380.3(CREBBP):c.6764C>T (p.Pro2255Leu)

Gene: CREBBP (CREB binding lysine acetyltransferase; minus strand). Cytogenetic location: 16p13.3.
Variant type: single nucleotide variant.
Coding change: c.6764C>T on transcript NM_004380.3 (MANE Select); coding-DNA position 6764, C replaced by T.
Protein change: p.Pro2255Leu; replaces proline 2255 with leucine.
Molecular consequence: missense variant.
Genome position (GRCh38, 1-based): chr16:3,728,283, G>A on the plus strand (C>T on the coding strand, the complement: CREBBP is on the minus strand). VCF-style: chr16-3728283-G-A. GRCh37 (hg19) VCF-style: chr16-3778284-G-A.
Other names: c.6650C>T, p.Pro2217Leu (NM_001079846.1); short protein forms P2217L, P2255L.
Identifiers: ClinVar variation 1013665 (VCV001013665.8), dbSNP rs1191357764, ClinGen allele CA394551910.

ClinVar aggregate classification (germline): Uncertain significance (1 of 4 stars; one submission).

Conditions:
Rubinstein-Taybi syndrome (RSTS). Identifiers: Orphanet 783, MedGen C0035934, MONDO:0019188.

Allele frequency attached by ClinVar (database versions not stated): gnomAD exomes 0.00001; TOPMed 0.00001.
gnomAD v4.1: 3 of 1,612,002 alleles (0.00019%); highest among the groups gnomAD compares: Non-Finnish European, 0.00017%; no homozygotes.

Submission:

Labcorp Genetics (formerly Invitae), Labcorp
Classification: Uncertain significance for Rubinstein-Taybi syndrome. Last evaluated: 2022-07-26. Review status: criteria provided, single submitter. Criteria: Invitae Variant Classification Sherloc (09022015). Collection method: clinical testing. Allele origin: germline.
Comment: ClinVar contains an entry for this variant (Variation ID: 1013665). In summary, the available evidence is currently insufficient to determine the role of this variant in disease. Therefore, it has been classified as a Variant of Uncertain Significance. Advanced modeling of protein sequence and biophysical properties (such as structural, functional, and spatial information, amino acid conservation, physicochemical variation, residue mobility, and thermodynamic stability) performed at Invitae indicates that this missense variant is not expected to disrupt CREBBP protein function. This missense change has been observed in individual(s) with clinical features of Rubinstein-Taybi syndrome (Invitae). This variant is not present in population databases (gnomAD no frequency). This sequence change replaces proline, which is neutral and non-polar, with leucine, which is neutral and non-polar, at codon 2255 of the CREBBP protein (p.Pro2255Leu).